The following is an entry in ClinVar:

ClinVar aggregate classification (germline): Uncertain significance (1 of 4 stars; one submission).

Conditions:
Familial thoracic aortic aneurysm and aortic dissection (TAAD). Also called: Thoracic aortic aneurysms and dissections. Identifiers: Orphanet 91387, MedGen C4707243, MONDO:0019625.

Submission:

Ambry Genetics
Classification: Uncertain significance for Familial thoracic aortic aneurysm and aortic dissection. Last evaluated: 2021-11-19. Review status: criteria provided, single submitter. Criteria: Ambry Variant Classification Scheme 2023. Collection method: clinical testing. Allele origin: germline.
Comment: The p.G1656S variant (also known as c.4966G>A), located in coding exon 26 of the NOTCH1 gene, results from a G to A substitution at nucleotide position 4966. The glycine at codon 1656 is replaced by serine, an amino acid with similar properties. This amino acid position is conserved. In addition, this alteration is predicted to be tolerated by in silico analysis. Since supporting evidence is limited at this time, the clinical significance of this alteration remains unclear.

NM_017617.5(NOTCH1):c.4966G>A (p.Gly1656Ser)

Gene: NOTCH1 (notch receptor 1; minus strand). Cytogenetic location: 9q34.3.
Variant type: single nucleotide variant.
Coding change: c.4966G>A on transcript NM_017617.5 (MANE Select); coding-DNA position 4966, G replaced by A.
Protein change: p.Gly1656Ser; replaces glycine 1656 with serine.
Molecular consequence: missense variant.
Genome position (GRCh38, 1-based): chr9:136,504,725, C>T on the plus strand (G>A on the coding strand, the complement: NOTCH1 is on the minus strand). VCF-style: chr9-136504725-C-T. GRCh37 (hg19) VCF-style: chr9-139399177-C-T.
Other names: short protein forms G1656S.
Identifiers: ClinVar variation 1744438 (VCV001744438.2), dbSNP rs2133335858, ClinGen allele CA375644205.